The following is an entry in ClinVar:

ClinVar aggregate classification (germline): Conflicting classifications of pathogenicity. Review status: criteria provided, conflicting classifications (1 of 4 stars). 6 submissions from 6 submitters: Uncertain significance (3); Likely benign (3). Last evaluated 2025-12-25.

Conditions:
Myofibrillar myopathy 5. Also called: Filaminopathy (type); FILAMINOPATHY, AUTOSOMAL DOMINANT. Identifiers: Orphanet 171445, MedGen C1836050, MONDO:0012289, OMIM 609524.
Hypertrophic cardiomyopathy 26. Also called: Cardiomyopathy, familial hypertrophic, 26. Identifiers: Orphanet 75249, MedGen C4310749, MONDO:0014883, OMIM 617047.
Distal myopathy with posterior leg and anterior hand involvement. Also called: WILLIAMS DISTAL MYOPATHY. Identifiers: Orphanet 63273, MedGen C3279722, MONDO:0013550, OMIM 614065.
Cardiovascular phenotype. Identifiers: MedGen CN230736.

Allele frequency attached by ClinVar (database versions not stated): gnomAD exomes 0.00005 and 0.00001; ExAC 0.00007; 1000 Genomes Project 0.00020; gnomAD 0.00021; ESP Exome Variant Server 0.00023; TOPMed 0.00026; 1000 Genomes Project 30x 0.00031.
gnomAD v4.1: 51 of 1,614,210 alleles (0.0032%); highest among the groups gnomAD compares: African/African-American, 0.064%; no homozygotes.

Submissions (6):

Labcorp Genetics (formerly Invitae), Labcorp
Classification: Likely benign for Distal myopathy with posterior leg and anterior hand involvement; Myofibrillar myopathy 5; Hypertrophic cardiomyopathy 26. Last evaluated: 2025-12-25. Review status: criteria provided, single submitter. Criteria: Invitae Variant Classification Sherloc (09022015). Collection method: clinical testing. Allele origin: germline.

Ambry Genetics
Classification: Uncertain significance for Cardiovascular phenotype. Last evaluated: 2024-10-15. Review status: criteria provided, single submitter. Criteria: Ambry Variant Classification Scheme 2023. Collection method: clinical testing. Allele origin: germline.
Comment: The p.S2500N variant (also known as c.7499G>A), located in coding exon 45 of the FLNC gene, results from a G to A substitution at nucleotide position 7499. The serine at codon 2500 is replaced by asparagine, an amino acid with highly similar properties. This amino acid position is not well conserved in available vertebrate species. In addition, this alteration is predicted to be tolerated by in silico analysis. Since supporting evidence is limited at this time, the clinical significance of this alteration remains unclear.

ARUP Laboratories, Molecular Genetics and Genomics, ARUP Laboratories
Classification: Uncertain significance. Last evaluated: 2023-09-06. Review status: criteria provided, single submitter. Criteria: ARUP Molecular Germline Variant Investigation Process 2024. Collection method: clinical testing. Allele origin: germline.
Comment: The FLNC c.7499G>A; p.Ser2500Asn variant (rs371244800), to our knowledge, is not reported in the medical literature but is reported in ClinVar (Variation ID: 574790). This variant is found in the African population with an allele frequency of 0.09% (21/24,198 alleles) in the Genome Aggregation Database. Computational analyses are uncertain whether this variant is neutral or deleterious (REVEL: 0.421). Due to limited information, the clinical significance of this variant is uncertain at this time.

Blueprint Genetics
Classification: Likely benign. Last evaluated: 2022-05-20. Review status: criteria provided, single submitter. Criteria: ACMG Guidelines, 2015. Collection method: clinical testing. Allele origin: germline.

Revvity Omics, Revvity
Classification: Uncertain significance. Last evaluated: 2022-04-08. Review status: criteria provided, single submitter. Criteria: ACMG Guidelines, 2015. Collection method: clinical testing. Allele origin: germline.

GeneDx
Classification: Likely benign. Last evaluated: 2020-10-27. Review status: criteria provided, single submitter. Criteria: GeneDx Variant Classification Process June 2021. Collection method: clinical testing. Allele origin: germline. Affected: yes.
Comment: Has not been previously published as pathogenic or benign to our knowledge; Reported in ClinVar (ClinVar Variant ID# 574790; Landrum et al., 2016); In silico analysis, which includes protein predictors and evolutionary conservation, supports that this variant does not alter protein structure/function

NM_001458.5(FLNC):c.7499G>A (p.Ser2500Asn)

Genes: FLNC (filamin C; plus strand), FLNC-AS1 (FLNC antisense RNA 1; minus strand). Cytogenetic location: 7q32.1.
Variant type: single nucleotide variant.
Coding change: c.7499G>A on transcript NM_001458.5 (MANE Select); coding-DNA position 7499, G replaced by A.
Protein change: p.Ser2500Asn; replaces serine 2500 with asparagine.
Molecular consequence: missense variant.
Genome position (GRCh38, 1-based): chr7:128,856,859, G>A. VCF-style: chr7-128856859-G-A. GRCh37 (hg19) VCF-style: chr7-128496913-G-A.
Other names: c.7400G>A, p.Ser2467Asn (NM_001127487.2); short protein forms S2500N, S2467N.
Identifiers: ClinVar variation 574790 (VCV000574790.22), dbSNP rs371244800, ClinGen allele CA4476286.